The following is an entry in ClinVar:

NM_173653.4(SLC9A9):c.576C>A (p.Gly192=)

Gene: SLC9A9 (solute carrier family 9 member A9; minus strand). Cytogenetic location: 3q24.
Variant type: single nucleotide variant.
Coding change: c.576C>A on transcript NM_173653.4 (MANE Select); coding-DNA position 576, C replaced by A.
Protein change: p.Gly192=; no amino-acid change (glycine 192 retained).
Molecular consequence: synonymous variant.
Genome position (GRCh38, 1-based): chr3:143,693,265, G>T on the plus strand (C>A on the coding strand, the complement: SLC9A9 is on the minus strand). VCF-style: chr3-143693265-G-T. GRCh37 (hg19) VCF-style: chr3-143412107-G-T.
Identifiers: ClinVar variation 3025096 (VCV003025096.22), dbSNP rs138632391, ClinGen allele CA2654134.
Genomic context (GRCh38, chr3:143,693,265, plus strand): 5'-AGACATCAGTGAACCAAAAAATAAACAGTCAGTGAAATGAAAGTCTCCATTTTTCAGCTG[G>T]CCAGCATGTATCATAGCCTTCACAAAACCATACATAATTAACCTGTTGAAGAGAAAAACA-3'
Protein context (NP_775924.1, residues 182-202): YGFVKAMIHA[Gly192=]QLKNGDFHFT

ClinVar aggregate classification (germline): Likely benign (1 of 4 stars; one submission).

Allele frequency attached by ClinVar (database versions not stated): ExAC 0.00004; gnomAD 0.00005; TOPMed 0.00006; ESP Exome Variant Server 0.00015.
gnomAD v4.1: 156 of 1,613,126 alleles (0.0097%); highest among the groups gnomAD compares: Non-Finnish European, 0.013%; no homozygotes.

Submission:

CeGaT Center for Human Genetics Tuebingen
Classification: Likely benign. Last evaluated: 2023-12-01. Review status: criteria provided, single submitter. Criteria: CeGaT Center For Human Genetics Tuebingen Variant Classification Criteria Version 2. Collection method: clinical testing. Allele origin: germline. Affected: yes. Observed: 1 variant allele.
Comment: SLC9A9: BP4